The following is an entry in ClinVar:

ClinVar aggregate classification (germline): Uncertain significance (1 of 4 stars; one submission).

Allele frequency attached by ClinVar (database versions not stated): gnomAD exomes below 0.00001.
gnomAD v4.1: 1 of 1,614,076 alleles (0.000062%); highest among the groups gnomAD compares: Admixed American, 0.0017%; no homozygotes.

Submission:

Labcorp Genetics (formerly Invitae), Labcorp
Classification: Uncertain significance. Last evaluated: 2022-06-13. Review status: criteria provided, single submitter. Criteria: Invitae Variant Classification Sherloc (09022015). Collection method: clinical testing. Allele origin: germline.
Comment: In summary, the available evidence is currently insufficient to determine the role of this variant in disease. Therefore, it has been classified as a Variant of Uncertain Significance. Algorithms developed to predict the effect of missense changes on protein structure and function are either unavailable or do not agree on the potential impact of this missense change (SIFT: "Deleterious"; PolyPhen-2: "Benign"; Align-GVGD: "Class C0"). ClinVar contains an entry for this variant (Variation ID: 954448). This variant has not been reported in the literature in individuals affected with ZNF513-related conditions. This variant is not present in population databases (gnomAD no frequency). This sequence change replaces aspartic acid, which is acidic and polar, with glutamic acid, which is acidic and polar, at codon 539 of the ZNF513 protein (p.Asp539Glu).

NM_144631.6(ZNF513):c.1617C>G (p.Asp539Glu)

Gene: ZNF513 (zinc finger protein 513; minus strand). Cytogenetic location: 2p23.3.
Variant type: single nucleotide variant.
Coding change: c.1617C>G on transcript NM_144631.6 (MANE Select); coding-DNA position 1617, C replaced by G.
Protein change: p.Asp539Glu; replaces aspartic acid 539 with glutamic acid.
Molecular consequence: missense variant.
Genome position (GRCh38, 1-based): chr2:27,377,554, G>C on the plus strand (C>G on the coding strand, the complement: ZNF513 is on the minus strand). VCF-style: chr2-27377554-G-C. GRCh37 (hg19) VCF-style: chr2-27600421-G-C.
Other names: c.1431C>G, p.Asp477Glu (NM_001201459.2); short protein forms D539E, D477E.
Identifiers: ClinVar variation 954448 (VCV000954448.9), dbSNP rs1683382282, ClinGen allele CA346213953.